The following is an entry in ClinVar:

ClinVar aggregate classification (germline): Likely benign (0 of 4 stars; one submission).

Conditions:
ADRB1-related disorder. Also called: ADRB1-related condition.

Allele frequency attached by ClinVar (database versions not stated): gnomAD exomes 0.00004; 1000 Genomes Project 0.00040; ExAC 0.00053; TOPMed 0.00056; gnomAD 0.00058; 1000 Genomes Project 30x 0.00062.
gnomAD v4.1: 135 of 1,321,174 alleles (0.01%); highest among the groups gnomAD compares: African/African-American, 0.19%; no homozygotes.

Submission:

PreventionGenetics, part of Exact Sciences
Classification: Likely benign for ADRB1-related condition. Last evaluated: 2019-06-07. Review status: no assertion criteria provided. Collection method: clinical testing. Allele origin: germline.
Comment: This variant is classified as likely benign based on ACMG/AMP sequence variant interpretation guidelines (Richards et al. 2015 PMID: 25741868, with internal and published modifications).

NM_000684.3(ADRB1):c.1239C>G (p.Gly413=)

Gene: ADRB1 (adrenoceptor beta 1; plus strand). Cytogenetic location: 10q25.3.
Variant type: single nucleotide variant.
Coding change: c.1239C>G on transcript NM_000684.3 (MANE Select); coding-DNA position 1239, C replaced by G.
Protein change: p.Gly413=; no amino-acid change (glycine 413 retained).
Molecular consequence: synonymous variant.
Genome position (GRCh38, 1-based): chr10:114,045,371, C>G. VCF-style: chr10-114045371-C-G. GRCh37 (hg19) VCF-style: chr10-115805130-C-G.
Identifiers: ClinVar variation 3044684 (VCV003044684.2), dbSNP rs545652970, ClinGen allele CA5698442.
Genomic context (GRCh38, chr10:114,045,371, plus strand): 5'-CGCGCGCAGGGCTGCCCGCCGGCGCCACGCGACCCACGGAGACCGGCCGCGCGCCTCGGG[C>G]TGTCTGGCCCGGCCCGGACCCCCGCCATCGCCCGGGGCCGCCTCGGACGACGACGACGAC-3'
Protein context (NP_000675.1, residues 403-423): ATHGDRPRAS[Gly413=]CLARPGPPPS